The following is an entry in ClinVar:

ClinVar aggregate classification (germline): Uncertain significance (1 of 4 stars; one submission).

Conditions:
Bethlem myopathy 1A. Also called: MYOPATHY, BENIGN CONGENITAL, WITH CONTRACTURES; Bethlem myopathy 1; Bethlem Muscular Dystrophy. Identifiers: Orphanet 610, MedGen CN029274, MONDO:0024530, OMIM 158810.

gnomAD v4.1: 1 of 1,614,008 alleles (0.000062%); highest among the groups gnomAD compares: South Asian, 0.0011%; no homozygotes.

Submission:

Labcorp Genetics (formerly Invitae), Labcorp
Classification: Uncertain significance for Bethlem myopathy 1A. Last evaluated: 2019-11-20. Review status: criteria provided, single submitter. Criteria: Invitae Variant Classification Sherloc (09022015). Collection method: clinical testing. Allele origin: germline.
Comment: In summary, the available evidence is currently insufficient to determine the role of this variant in disease. Therefore, it has been classified as a Variant of Uncertain Significance. Algorithms developed to predict the effect of missense changes on protein structure and function are either unavailable or do not agree on the potential impact of this missense change (SIFT: "Tolerated"; PolyPhen-2: "Not Available"; Align-GVGD: "Class C0"). This variant has not been reported in the literature in individuals with COL6A3-related conditions. This variant is not present in population databases (ExAC no frequency). This sequence change replaces proline with serine at codon 2955 of the COL6A3 protein (p.Pro2955Ser). The proline residue is weakly conserved and there is a moderate physicochemical difference between proline and serine.

NM_004369.4(COL6A3):c.8863C>T (p.Pro2955Ser)

Gene: COL6A3 (collagen type VI alpha 3 chain; minus strand). Cytogenetic location: 2q37.3.
Variant type: single nucleotide variant.
Coding change: c.8863C>T on transcript NM_004369.4 (MANE Select); coding-DNA position 8863, C replaced by T.
Protein change: p.Pro2955Ser; replaces proline 2955 with serine.
Molecular consequence: missense variant.
Genome position (GRCh38, 1-based): chr2:237,336,237, G>A on the plus strand (C>T on the coding strand, the complement: COL6A3 is on the minus strand). VCF-style: chr2-237336237-G-A. GRCh37 (hg19) VCF-style: chr2-238244880-G-A.
Other names: c.7042C>T, p.Pro2348Ser (NM_057166.5); c.8245C>T, p.Pro2749Ser (NM_057167.4); short protein forms P2749S, P2955S, P2348S.
Identifiers: ClinVar variation 858716 (VCV000858716.10), dbSNP rs1700538106, ClinGen allele CA351191202.